The following is an entry in ClinVar:

ClinVar aggregate classification (germline): not provided (0 of 4 stars; one submission).

Conditions:
Normal pregnancy. Identifiers: MedGen C0232989.

Submission:

Institute of Molecular and Cell Biology, University of Tartu
No classification provided. Condition: Normal pregnancy. Review status: no classification provided. Collection method: case-control. Allele origin: unknown. Affected: yes. Study: Kasak2014.
Comment: The study aimed to determine the contribution of copy number variants in the genetic etiology of normal and complicated pregnancies. The samples represented (i) maternal blood DNA drawn from healthy pregnant women during 1st or 2nd trimester and (ii) maternal and paternal blood DNA drawn at term pregnancy cases representing normal and complicated gestations (severe preeclampsia, PE; gestational diabetes, GD; small-for-gestational age newborn, SGA; large-for-gestational age newborn, LGA). We performed CNV calling based on genome-wide genotyping dataset (Illumina HumanOmniExpress-24-v1 BeadChip) by applying three algorithms, QuantiSNP, GADA (Genome Alteration Detection Algorithm) and CNstream in parallel. The acquired CNV calls were merged with HD-CNV (Hotspot Detector for Copy Number Variants) program and only the CNVs predicted by at least two programs, were considered in subsequent analysis.

Literature cited by the submitters: PubMed 25666259.

Single allele

Variant type: Deletion.
Identifiers: ClinVar variation 157036 (VCV000157036.2).